The following is an entry in ClinVar:

ClinVar aggregate classification (germline): Likely benign (1 of 4 stars; one submission).

Conditions:
MELAS syndrome (MELAS). Also called: Juvenile myopathy, encephalopathy, lactic acidosis, stroke. Identifiers: Orphanet 550, MedGen C0162671, MONDO:0010789, OMIM 540000.

Submission:

Wong Mito Lab, Molecular and Human Genetics, Baylor College of Medicine
Classification: Likely benign for MELAS syndrome. Last evaluated: 2019-07-12. Review status: criteria provided, single submitter. Criteria: Modified ACMG Guidelines (Unpublished). Collection method: clinical testing. Allele origin: germline.
Comment: The NC_012920.1:m.15952C>T variant in MT-TT gene is interpreted to be a Likely Benign variant based on the modified ACMG guidelines (unpublished). This variant meets the following evidence codes reported in the guidelines: BS4, BP6

Literature cited by the submitters: PubMed 31965079.

NC_012920.1(MT-TT):m.15952C>T

Gene: MT-TT (mitochondrially encoded tRNA threonine; plus strand).
Variant type: single nucleotide variant.
Genome position: chrM-15952-C-T.
Identifiers: ClinVar variation 690260 (VCV000690260.1), dbSNP rs1603225613, ClinGen allele CA913175284.